The following is an entry in ClinVar:

NM_002241.5(KCNJ10):c.1106G>A (p.Gly369Asp)

Gene: KCNJ10 (potassium inwardly rectifying channel subfamily J member 10; minus strand). Cytogenetic location: 1q23.2.
Variant type: single nucleotide variant.
Coding change: c.1106G>A on transcript NM_002241.5 (MANE Select); coding-DNA position 1106, G replaced by A.
Protein change: p.Gly369Asp; replaces glycine 369 with aspartic acid.
Molecular consequence: missense variant.
Genome position (GRCh38, 1-based): chr1:160,041,427, C>T on the plus strand (G>A on the coding strand, the complement: KCNJ10 is on the minus strand). VCF-style: chr1-160041427-C-T. GRCh37 (hg19) VCF-style: chr1-160011217-C-T.
Other names: c.1106G>A (NM_002241.4); short protein forms G369D.
Identifiers: ClinVar variation 1039795 (VCV001039795.9), dbSNP rs754783764, ClinGen allele CA1193158.

ClinVar aggregate classification (germline): Uncertain significance. Review status: criteria provided, multiple submitters, no conflicts (2 of 4 stars). 2 submissions from 2 submitters: Uncertain significance (2). Last evaluated 2025-06-24.

Conditions:
EAST syndrome (SESAMES). Also called: SEIZURES, SENSORINEURAL DEAFNESS, ATAXIA, IMPAIRED INTELLECTUAL DEVELOPMENT, AND ELECTROLYTE IMBALANCE. Identifiers: Orphanet 199343, MedGen C2748572, MONDO:0013005, OMIM 612780.

Allele frequency attached by ClinVar (database versions not stated): gnomAD below 0.00001 and 0.00001; gnomAD exomes 0.00001 and 0.00003; TOPMed below 0.00001; ExAC 0.00003.
gnomAD v4.1: 22 of 1,613,530 alleles (0.0014%); highest among the groups gnomAD compares: South Asian, 0.024%; no homozygotes.

Submissions (2):

GeneDx
Classification: Uncertain significance. Last evaluated: 2025-06-24. Review status: criteria provided, single submitter. Criteria: GeneDx Variant Classification Process June 2021. Collection method: clinical testing. Allele origin: germline.
Comment: In silico analysis suggests that this missense variant does not alter protein structure/function; Has not been previously published as pathogenic or benign to our knowledge

Labcorp Genetics (formerly Invitae), Labcorp
Classification: Uncertain significance for EAST syndrome. Last evaluated: 2025-01-13. Review status: criteria provided, single submitter. Criteria: Invitae Variant Classification Sherloc (09022015). Collection method: clinical testing. Allele origin: germline.
Comment: This sequence change replaces glycine, which is neutral and non-polar, with aspartic acid, which is acidic and polar, at codon 369 of the KCNJ10 protein (p.Gly369Asp). This variant is present in population databases (rs754783764, gnomAD 0.02%). This variant has not been reported in the literature in individuals affected with KCNJ10-related conditions. ClinVar contains an entry for this variant (Variation ID: 1039795). Invitae Evidence Modeling of protein sequence and biophysical properties (such as structural, functional, and spatial information, amino acid conservation, physicochemical variation, residue mobility, and thermodynamic stability) indicates that this missense variant is not expected to disrupt KCNJ10 protein function with a negative predictive value of 95%. In summary, the available evidence is currently insufficient to determine the role of this variant in disease. Therefore, it has been classified as a Variant of Uncertain Significance.